The following is an entry in ClinVar:

NM_198578.4(LRRK2):c.3087G>T (p.Gln1029His)

Gene: LRRK2 (leucine rich repeat kinase 2; plus strand). Cytogenetic location: 12q12.
Variant type: single nucleotide variant.
Coding change: c.3087G>T on transcript NM_198578.4 (MANE Select); coding-DNA position 3087, G replaced by T.
Protein change: p.Gln1029His; replaces glutamine 1029 with histidine.
Molecular consequence: missense variant.
Genome position (GRCh38, 1-based): chr12:40,295,635, G>T. VCF-style: chr12-40295635-G-T. GRCh37 (hg19) VCF-style: chr12-40689437-G-T.
Other names: short protein forms Q1029H.
Identifiers: ClinVar variation 1392541 (VCV001392541.6), dbSNP rs1022834404, ClinGen allele CA235347104.

ClinVar aggregate classification (germline): Uncertain significance (1 of 4 stars; one submission).

Conditions:
Autosomal dominant Parkinson disease 8. Also called: LRRK2-Related Parkinson Disease; Parkinson disease 8; Parkinson disease 8, susceptibility to. Identifiers: Orphanet 411602, MedGen C1846862, MONDO:0011764, OMIM 607060.

Allele frequency attached by ClinVar (database versions not stated): gnomAD exomes 0.00001; TOPMed 0.00002; gnomAD 0.00003.
gnomAD v4.1: 7 of 1,613,300 alleles (0.00043%); highest among the groups gnomAD compares: Non-Finnish European, 0.00051%; no homozygotes.

Submission:

Labcorp Genetics (formerly Invitae), Labcorp
Classification: Uncertain significance for Autosomal dominant Parkinson disease 8. Last evaluated: 2021-11-13. Review status: criteria provided, single submitter. Criteria: Invitae Variant Classification Sherloc (09022015). Collection method: clinical testing. Allele origin: germline.
Comment: In summary, the available evidence is currently insufficient to determine the role of this variant in disease. Therefore, it has been classified as a Variant of Uncertain Significance. Algorithms developed to predict the effect of missense changes on protein structure and function (SIFT, PolyPhen-2, Align-GVGD) all suggest that this variant is likely to be tolerated. This missense change has been observed in individual(s) with clinical features of frontotemporal dementia (PMID: 25943890). This variant is present in population databases (no rsID available, gnomAD 0.003%). This sequence change replaces glutamine, which is neutral and polar, with histidine, which is basic and polar, at codon 1029 of the LRRK2 protein (p.Gln1029His).

Literature cited by the submitters: PubMed 25943890.